The following is an entry in ClinVar:

NM_004646.4(NPHS1):c.187C>T (p.Gln63Ter)

Genes: KIRREL2 (kirre like nephrin family adhesion molecule 2; plus strand), NPHS1 (NPHS1 adhesion molecule, nephrin; minus strand). Cytogenetic location: 19q13.12.
Variant type: single nucleotide variant.
Coding change: c.187C>T on transcript NM_004646.4 (MANE Select); coding-DNA position 187, C replaced by T.
Protein change: p.Gln63Ter; replaces glutamine 63 with a stop codon.
Molecular consequence: nonsense.
Genome position (GRCh38, 1-based): chr19:35,851,544, G>A on the plus strand (C>T on the coding strand, the complement: NPHS1 is on the minus strand). VCF-style: chr19-35851544-G-A. GRCh37 (hg19) VCF-style: chr19-36342446-G-A.
Other names: short protein forms Q63*.
Identifiers: ClinVar variation 1726782 (VCV001726782.3), dbSNP rs2513785885, ClinGen allele CA405411591.

ClinVar aggregate classification (germline): Likely pathogenic. Review status: criteria provided, multiple submitters, no conflicts (2 of 4 stars). 2 submissions from 2 submitters: Likely pathogenic (2). Last evaluated 2024-05-09.

Conditions:
Finnish congenital nephrotic syndrome (NPHS1). Also called: NEPHROTIC SYNDROME, TYPE 1. Identifiers: Orphanet 839, MedGen C0403399, MONDO:0009732, OMIM 256300.

Submissions (2):

Fulgent Genetics
Classification: Likely pathogenic for Finnish congenital nephrotic syndrome. Last evaluated: 2024-05-09. Review status: criteria provided, single submitter. Criteria: ACMG Guidelines, 2015. Collection method: clinical testing. Allele origin: germline.

Myriad Genetics, Inc.
Classification: Likely pathogenic for Finnish congenital nephrotic syndrome. Last evaluated: 2021-12-09. Review status: criteria provided, single submitter. Criteria: Myriad Women's Health Autosomal Recessive and X-Linked Classification Criteria (2021). Collection method: clinical testing. Allele origin: unknown.
Comment: NM_004646.3(NPHS1):c.187C>T(Q63*) is expected to be pathogenic in the context of nephrotic syndrome, NPHS1-related. This variant is predicted to lead to an abnormal or absent protein product due to the creation of a premature termination codon in NPHS1, a gene where loss-of-function variants are known to be pathogenic. Please note: this variant was assessed in the context of healthy population screening.